The following is an entry in ClinVar:

NM_000038.6(APC):c.1111G>A (p.Gly371Arg)

Gene: APC (APC regulator of Wnt signaling pathway; plus strand). Cytogenetic location: 5q22.2.
Variant type: single nucleotide variant.
Coding change: c.1111G>A on transcript NM_000038.6 (MANE Select); coding-DNA position 1111, G replaced by A.
Protein change: p.Gly371Arg; replaces glycine 371 with arginine.
Molecular consequence: missense variant. On other transcripts: intron variant (4).
Genome position (GRCh38, 1-based): chr5:112,819,143, G>A. VCF-style: chr5-112819143-G-A. GRCh37 (hg19) VCF-style: chr5-112154840-G-A.
Other names: c.1111G>A, p.Gly371Arg (NM_001127510.3, NM_001354895.2, NM_001354896.2); c.1057G>A, p.Gly353Arg (NM_001127511.3); c.1141G>A, p.Gly381Arg (NM_001354897.2); c.1036G>A, p.Gly346Arg (NM_001354898.2); c.1027G>A, p.Gly343Arg (NM_001354899.2); c.934G>A, p.Gly312Arg (NM_001354900.2, NM_001354901.2); c.262G>A, p.Gly88Arg (NM_001354906.2); c.964-126G>A (NM_001354902.2); and 3 more; short protein forms G312R, G343R, G346R, G381R, G353R, G371R, G88R.
Identifiers: ClinVar variation 822198 (VCV000822198.9), dbSNP rs863224535, ClinGen allele CA16023746.

ClinVar aggregate classification (germline): Uncertain significance. Review status: criteria provided, multiple submitters, no conflicts (2 of 4 stars). 2 submissions from 2 submitters: Uncertain significance (2). Last evaluated 2026-01-20.

Conditions:
Hereditary cancer-predisposing syndrome. Also called: Tumor predisposition; Hereditary Cancer Syndrome; Neoplastic Syndromes, Hereditary; Hereditary neoplastic syndrome. Identifiers: Orphanet 140162, MedGen C0027672, MeSH D009386, MONDO:0015356.
Familial adenomatous polyposis 1 (FAP1). Also called: FAMILIAL ADENOMATOUS POLYPOSIS 1, ATTENUATED; POLYPOSIS, ADENOMATOUS INTESTINAL. Identifiers: MedGen C2713442, MONDO:0021056, OMIM 175100. Disease mechanism: loss of function.

Allele frequency attached by ClinVar (database versions not stated): gnomAD exomes below 0.00001.
gnomAD v4.1: 1 of 1,614,028 alleles (0.000062%); highest among the groups gnomAD compares: Non-Finnish European, 0.000085%; no homozygotes.

Submissions (2):

Labcorp Genetics (formerly Invitae), Labcorp
Classification: Uncertain significance for Familial adenomatous polyposis 1. Last evaluated: 2026-01-20. Review status: criteria provided, single submitter. Criteria: Invitae Variant Classification Sherloc (09022015). Collection method: clinical testing. Allele origin: germline.
Comment: This sequence change replaces glycine, which is neutral and non-polar, with arginine, which is basic and polar, at codon 371 of the APC protein (p.Gly371Arg). This variant is not present in population databases (gnomAD no frequency). This variant has not been reported in the literature in individuals affected with APC-related conditions. ClinVar contains an entry for this variant (Variation ID: 822198). Invitae Evidence Modeling of protein sequence and biophysical properties (such as structural, functional, and spatial information, amino acid conservation, physicochemical variation, residue mobility, and thermodynamic stability) indicates that this missense variant is not expected to disrupt APC protein function with a negative predictive value of 95%. In summary, the available evidence is currently insufficient to determine the role of this variant in disease. Therefore, it has been classified as a Variant of Uncertain Significance.

Ambry Genetics
Classification: Uncertain significance for Hereditary cancer-predisposing syndrome. Last evaluated: 2018-06-11. Review status: criteria provided, single submitter. Criteria: Ambry Variant Classification Scheme 2023. Collection method: clinical testing. Allele origin: germline.
Comment: The p.G371R variant (also known as c.1111G>A), located in coding exon 9 of the APC gene, results from a G to A substitution at nucleotide position 1111. The glycine at codon 371 is replaced by arginine, an amino acid with dissimilar properties. This amino acid position is highly conserved in available vertebrate species. In addition, in silico predictors for this gene do not accurately predict pathogenicity. Since supporting evidence is limited at this time, the clinical significance of this alteration remains unclear.